The following is an entry in ClinVar:

NM_170707.4(LMNA):c.1920T>A (p.Asn640Lys)

Gene: LMNA (lamin A/C; plus strand). Cytogenetic location: 1q22.
Variant type: single nucleotide variant.
Coding change: c.1920T>A on transcript NM_170707.4 (MANE Select); coding-DNA position 1920, T replaced by A.
Protein change: p.Asn640Lys; replaces asparagine 640 with lysine.
Molecular consequence: missense variant. On other transcripts: intron variant (1).
Genome position (GRCh38, 1-based): chr1:156,138,709, T>A. VCF-style: chr1-156138709-T-A. GRCh37 (hg19) VCF-style: chr1-156108500-T-A.
Other names: c.1830T>A, p.Asn610Lys (NM_170708.4); c.1818+102T>A (NM_001282626.2); c.1584T>A, p.Asn528Lys (NM_001257374.3); short protein forms N640K, N528K, N610K.
Identifiers: ClinVar variation 1477322 (VCV001477322.6), dbSNP rs2102902482, ClinGen allele CA342827925.

ClinVar aggregate classification (germline): Uncertain significance (1 of 4 stars; one submission).

Conditions:
Charcot-Marie-Tooth disease type 2. Also called: Charcot-Marie-Tooth type 2. Identifiers: Orphanet 64746, MedGen C0270914, MONDO:0018993.

Submission:

Labcorp Genetics (formerly Invitae), Labcorp
Classification: Uncertain significance for Charcot-Marie-Tooth disease type 2. Last evaluated: 2022-02-20. Review status: criteria provided, single submitter. Criteria: Invitae Variant Classification Sherloc (09022015). Collection method: clinical testing. Allele origin: germline.
Comment: This sequence change replaces asparagine, which is neutral and polar, with lysine, which is basic and polar, at codon 640 of the LMNA protein (p.Asn640Lys). This variant is not present in population databases (gnomAD no frequency). This variant has not been reported in the literature in individuals affected with LMNA-related conditions. Algorithms developed to predict the effect of missense changes on protein structure and function (SIFT, PolyPhen-2, Align-GVGD) all suggest that this variant is likely to be tolerated. In summary, the available evidence is currently insufficient to determine the role of this variant in disease. Therefore, it has been classified as a Variant of Uncertain Significance.